The following is an entry in ClinVar:

ClinVar aggregate classification (germline): Uncertain significance. Review status: criteria provided, multiple submitters, no conflicts (2 of 4 stars). 2 submissions from 2 submitters: Uncertain significance (2). Last evaluated 2020-01-08.

Conditions:
Hypertrophic cardiomyopathy 10. Also called: CARDIOMYOPATHY, HYPERTROPHIC, MID-LEFT VENTRICULAR CHAMBER TYPE, 2; MYL2-Related Familial Hypertrophic Cardiomyopathy. Identifiers: MedGen C1834460, MONDO:0012112, OMIM 608758.

Allele frequency attached by ClinVar (database versions not stated): gnomAD exomes below 0.00001; ExAC 0.00001.
gnomAD v4.1: 1 of 1,613,988 alleles (0.000062%); highest among the groups gnomAD compares: South Asian, 0.0011%; no homozygotes.

Submissions (2):

Labcorp Genetics (formerly Invitae), Labcorp
Classification: Uncertain significance for Hypertrophic cardiomyopathy 10. Last evaluated: 2020-01-08. Review status: criteria provided, single submitter. Criteria: Invitae Variant Classification Sherloc (09022015). Collection method: clinical testing. Allele origin: germline.
Comment: This sequence change replaces methionine with lysine at codon 20 of the MYL2 protein (p.Met20Lys). The methionine residue is highly conserved and there is a moderate physicochemical difference between methionine and lysine. In summary, the available evidence is currently insufficient to determine the role of this variant in disease. Therefore, it has been classified as a Variant of Uncertain Significance. Algorithms developed to predict the effect of sequence changes on RNA splicing suggest that this variant may create or strengthen a splice site, but this prediction has not been confirmed by published transcriptional studies. Algorithms developed to predict the effect of missense changes on protein structure and function are either unavailable or do not agree on the potential impact of this missense change (SIFT: "Deleterious"; PolyPhen-2: "Possibly Damaging"; Align-GVGD: "Class C0"). This variant has been observed in individual(s) with hypertrophic cardiomyopathy (PMID: 24793961). ClinVar contains an entry for this variant (Variation ID: 439938). This variant is present in population databases (rs113167834, ExAC 0.006%).

ARUP Laboratories, Molecular Genetics and Genomics, ARUP Laboratories
Classification: Uncertain significance. Last evaluated: 2016-09-04. Review status: criteria provided, single submitter. Criteria: ARUP Molecular Germline Variant Investigation Process. Collection method: clinical testing. Allele origin: germline.

Literature cited by the submitters: PubMed 24793961 (cited by Labcorp Genetics (formerly Invitae), Labcorp).

NM_000432.4(MYL2):c.59T>A (p.Met20Lys)

Genes: MYL2 (myosin light chain 2; minus strand), LOC114827850 (VISTA enhancer hs2149; plus strand). Cytogenetic location: 12q24.11.
Variant type: single nucleotide variant.
Coding change: c.59T>A on transcript NM_000432.4 (MANE Select); coding-DNA position 59, T replaced by A.
Protein change: p.Met20Lys; replaces methionine 20 with lysine.
Molecular consequence: missense variant.
Genome position (GRCh38, 1-based): chr12:110,919,138, A>T on the plus strand (T>A on the coding strand, the complement: MYL2 is on the minus strand). VCF-style: chr12-110919138-A-T. GRCh37 (hg19) VCF-style: chr12-111356942-A-T.
Other names: short protein forms M20K.
Identifiers: ClinVar variation 439938 (VCV000439938.17), dbSNP rs113167834, ClinGen allele CA043481.